The following is an entry in ClinVar:

ClinVar aggregate classification (germline): Pathogenic (1 of 4 stars; one submission).

Conditions:
Fanconi anemia (FA). Also called: Fanconi's anemia. Identifiers: Orphanet 84, MedGen C0015625, MeSH D005199, MONDO:0019391.

Submission:

Labcorp Genetics (formerly Invitae), Labcorp
Classification: Pathogenic for Fanconi anemia. Last evaluated: 2020-07-20. Review status: criteria provided, single submitter. Criteria: Invitae Variant Classification Sherloc (09022015). Collection method: clinical testing. Allele origin: germline.
Comment: For these reasons, this variant has been classified as Pathogenic. Loss-of-function variants in FANCA are known to be pathogenic (PMID: 19367192). This variant has not been reported in the literature in individuals with FANCA-related conditions. This variant is an out-of-frame deletion of the genomic region encompassing exon(s) 27-37 of the FANCA gene. This is expected to create a premature translational stop signal and result in an absent or disrupted protein product.

Literature cited by the submitters: PubMed 19367192.

NC_000016.9:g.(?_89809198)_(89833655_?)del

Gene: FANCA (FA complementation group A; minus strand). Cytogenetic location: 16q24.3.
Variant type: Deletion.
Identifiers: ClinVar variation 1071366 (VCV001071366.5).